The following is an entry in ClinVar:

ClinVar aggregate classification (germline): Benign/Likely benign. Review status: criteria provided, multiple submitters, no conflicts (2 of 4 stars). 26 submissions from 19 submitters: Benign (19); Likely benign (2). 5 of the submissions do not count toward it. Last evaluated 2026-02-03.

Conditions:
Cardiovascular phenotype. Identifiers: MedGen CN230736.
Dilated cardiomyopathy 1G (CMD1G). Identifiers: Orphanet 154, MedGen C1858763, MONDO:0011400, OMIM 604145.
Autosomal recessive limb-girdle muscular dystrophy type 2J (LGMDR10). Also called: Limb-girdle muscular dystrophy, type 2J; MUSCULAR DYSTROPHY, LIMB-GIRDLE, AUTOSOMAL RECESSIVE 10. Identifiers: Orphanet 140922, MedGen C1837342, MONDO:0012127, OMIM 608807.
Cardiomyopathy (CMYO). Also called: Cardiomyopathies. Identifiers: Orphanet 167848, MedGen C0878544, MONDO:0004994, HP:0001638. Inheritance: Various modes of inheritance.
Early-onset myopathy with fatal cardiomyopathy (CMYO5). Also called: CONGENITAL MYOPATHY 5 WITH CARDIOMYOPATHY; Salih Myopathy. Identifiers: Orphanet 289377, MedGen C2673677, MONDO:0012714, OMIM 611705. Disease mechanism: loss of function.
Myopathy, myofibrillar, 9, with early respiratory failure (MFM9). Also called: MYOPATHY, PROXIMAL, WITH EARLY RESPIRATORY MUSCLE INVOLVEMENT; Myopathy, distal, with early respiratory failure, autosomal dominant; Hereditary myopathy with early respiratory failure; EDSTROM MYOPATHY. Identifiers: Orphanet 178464, Orphanet 34521, MedGen C1863599, MONDO:0011362, OMIM 603689.
Tibial muscular dystrophy (TMD). Also called: Tibial muscular dystrophy, tardive; UDD MYOPATHY; Udd Distal Myopathy – Tibial Muscular Dystrophy. Identifiers: Orphanet 609, MedGen C1838244, MONDO:0010870, OMIM 600334.

Allele frequency attached by ClinVar (database versions not stated): gnomAD exomes 0.00175 and 0.00457; ExAC 0.00548; 1000 Genomes Project 0.01637; 1000 Genomes Project 30x 0.01655; gnomAD 0.01820 and 0.01980; TOPMed 0.02124; ESP Exome Variant Server 0.02148.
gnomAD v4.1: 5,439 of 1,613,664 alleles (0.34%); highest among the groups gnomAD compares: African/African-American, 6.5%; 176 homozygotes.

Submissions (26):

Labcorp Genetics (formerly Invitae), Labcorp
Classification: Benign for Dilated cardiomyopathy 1G; Autosomal recessive limb-girdle muscular dystrophy type 2J. Last evaluated: 2026-02-03. Review status: criteria provided, single submitter. Criteria: Invitae Variant Classification Sherloc (09022015). Collection method: clinical testing. Allele origin: germline.

ARUP Laboratories, Molecular Genetics and Genomics, ARUP Laboratories
Classification: Benign. Last evaluated: 2025-05-14. Review status: criteria provided, single submitter. Criteria: ARUP Molecular Germline Variant Investigation Process 2024. Collection method: clinical testing. Allele origin: germline.

Molecular Diagnostic Laboratory for Inherited Cardiovascular Disease, Montreal Heart Institute
Classification: Benign. Last evaluated: 2025-04-09. Review status: criteria provided, single submitter. Criteria: ACMG Guidelines, 2015. Collection method: clinical testing. Allele origin: germline. Affected: no.

Athena Diagnostics
Classification: Benign. Last evaluated: 2025-03-13. Review status: criteria provided, single submitter. Criteria: Athena Diagnostics Criteria. Collection method: clinical testing. Allele origin: unknown.
Comment: The frequency of this variant in the general population is higher than would generally be expected for pathogenic variants in this gene.

Genome-Nilou Lab
Classification: Benign for Autosomal recessive limb-girdle muscular dystrophy type 2J. Last evaluated: 2021-09-10. Review status: criteria provided, single submitter. Criteria: ACMG Guidelines, 2015. Collection method: clinical testing. Allele origin: germline. Affected: no.

Genome-Nilou Lab
Classification: Benign for Myopathy, myofibrillar, 9, with early respiratory failure. Last evaluated: 2021-09-10. Review status: criteria provided, single submitter. Criteria: ACMG Guidelines, 2015. Collection method: clinical testing. Allele origin: germline. Affected: no.

Genome-Nilou Lab
Classification: Benign for Early-onset myopathy with fatal cardiomyopathy. Last evaluated: 2021-09-10. Review status: criteria provided, single submitter. Criteria: ACMG Guidelines, 2015. Collection method: clinical testing. Allele origin: germline. Affected: no.

Genome-Nilou Lab
Classification: Benign for Tibial muscular dystrophy. Last evaluated: 2021-09-10. Review status: criteria provided, single submitter. Criteria: ACMG Guidelines, 2015. Collection method: clinical testing. Allele origin: germline. Affected: no.

Women's Health and Genetics/Laboratory Corporation of America, LabCorp
Classification: Benign. Last evaluated: 2020-04-12. Review status: criteria provided, single submitter. Criteria: LabCorp Variant Classification Summary - May 2015. Collection method: clinical testing. Allele origin: germline.

Mayo Clinic Laboratories, Mayo Clinic
Classification: Benign. Last evaluated: 2019-03-06. Review status: criteria provided, single submitter. Criteria: ACMG Guidelines, 2015. Collection method: clinical testing. Allele origin: germline. Observed: 38 variant alleles.

Illumina Laboratory Services, Illumina
Classification: Benign for Tibial muscular dystrophy. Last evaluated: 2018-01-13. Review status: criteria provided, single submitter. Criteria: ICSL Variant Classification Criteria 13 December 2019. Collection method: clinical testing. Allele origin: germline.
Comment: This variant was observed in the ICSL laboratory as part of a predisposition screen in an ostensibly healthy population. It had not been previously curated by ICSL or reported in the Human Gene Mutation Database (HGMD: prior to June 1st, 2018), and was therefore a candidate for classification through an automated scoring system. Utilizing variant allele frequency, disease prevalence and penetrance estimates, and inheritance mode, an automated score was calculated to assess if this variant is too frequent to cause the disease. Based on the score and internal cut-off values, a variant classified as benign is not then subjected to further curation. The score for this variant resulted in a classification of benign for this disease.

Illumina Laboratory Services, Illumina
Classification: Benign for Autosomal recessive limb-girdle muscular dystrophy type 2J. Last evaluated: 2018-01-13. Review status: criteria provided, single submitter. Criteria: ICSL Variant Classification Criteria 13 December 2019. Collection method: clinical testing. Allele origin: germline.
Comment: the same text as in the submission from Illumina Laboratory Services, Illumina above.

Illumina Laboratory Services, Illumina
Classification: Benign for Myopathy, myofibrillar, 9, with early respiratory failure. Last evaluated: 2018-01-13. Review status: criteria provided, single submitter. Criteria: ICSL Variant Classification Criteria 13 December 2019. Collection method: clinical testing. Allele origin: germline.
Comment: the same text as in the submission from Illumina Laboratory Services, Illumina above.

Illumina Laboratory Services, Illumina
Classification: Benign for Early-onset myopathy with fatal cardiomyopathy. Last evaluated: 2018-01-13. Review status: criteria provided, single submitter. Criteria: ICSL Variant Classification Criteria 13 December 2019. Collection method: clinical testing. Allele origin: germline.
Comment: the same text as in the submission from Illumina Laboratory Services, Illumina above.

Illumina Laboratory Services, Illumina
Classification: Likely benign for Dilated cardiomyopathy 1G. Last evaluated: 2018-01-13. Review status: criteria provided, single submitter. Criteria: ICSL Variant Classification Criteria 13 December 2019. Collection method: clinical testing. Allele origin: germline.
Comment: This variant was observed in the ICSL laboratory as part of a predisposition screen in an ostensibly healthy population. It had not been previously curated by ICSL or reported in the Human Gene Mutation Database (HGMD: prior to June 1st, 2018), and was therefore a candidate for classification through an automated scoring system. Utilizing variant allele frequency, disease prevalence and penetrance estimates, and inheritance mode, an automated score was calculated to assess if this variant is too frequent to cause the disease. Based on the score and internal cut-off values, a variant classified as likely benign is not then subjected to further curation. The score for this variant resulted in a classification of likely benign for this disease.

CHEO Genetics Diagnostic Laboratory, Children's Hospital of Eastern Ontario
Classification: Benign for Cardiomyopathy. Last evaluated: 2016-03-08. Review status: criteria provided, single submitter. Criteria: ACMG Guidelines, 2015. Collection method: clinical testing. Allele origin: germline. Study: Canadian Open Genetics Repository.

GeneDx
Classification: Benign. Last evaluated: 2014-04-14. Review status: criteria provided, single submitter. Criteria: GeneDx Variant Classification (06012015). Collection method: clinical testing. Allele origin: germline. Affected: yes.
Comment: This variant is considered likely benign or benign based on one or more of the following criteria: it is a conservative change, it occurs at a poorly conserved position in the protein, it is predicted to be benign by multiple in silico algorithms, and/or has population frequency not consistent with disease.

Ambry Genetics
Classification: Benign for Cardiovascular phenotype. Last evaluated: 2013-02-26. Review status: criteria provided, single submitter. Criteria: Ambry Autosomal Dominant and X-Linked criteria (10/2015). Collection method: clinical testing. Allele origin: germline. Observed: 1 variant allele.

Laboratory for Molecular Medicine, Mass General Brigham Personalized Medicine
Classification: Benign. Last evaluated: 2012-04-25. Review status: criteria provided, single submitter. Criteria: LMM Criteria. Collection method: clinical testing. Allele origin: germline. Observed: 33 variant alleles.

Breakthrough Genomics
Classification: Likely benign. Review status: criteria provided, single submitter. Criteria: ACMG Guidelines, 2015. Collection method: not provided. Allele origin: germline. Inheritance: Autosomal recessive inheritance. Affected: yes.

PreventionGenetics, part of Exact Sciences
Classification: Benign. Review status: criteria provided, single submitter. Criteria: ACMG Guidelines, 2015. Collection method: clinical testing. Allele origin: germline.

Clinical Genetics DNA and cytogenetics Diagnostics Lab, Erasmus MC, Erasmus Medical Center
Classification: Benign. Review status: no assertion criteria provided. Collection method: clinical testing. Allele origin: germline. Affected: yes. Study: VKGL Data-share Consensus. Not counted in ClinVar's aggregate classification.

Clinical Genetics, Academic Medical Center
Classification: Benign. Review status: no assertion criteria provided. Collection method: clinical testing. Allele origin: germline. Affected: yes. Study: VKGL Data-share Consensus. Not counted in ClinVar's aggregate classification.

Diagnostic Laboratory, Department of Genetics, University Medical Center Groningen
Classification: Likely benign. Review status: no assertion criteria provided. Collection method: clinical testing. Allele origin: germline. Affected: yes. Study: VKGL Data-share Consensus. Not counted in ClinVar's aggregate classification.

Genetic Services Laboratory, University of Chicago
Classification: Likely benign for AllHighlyPenetrant. Review status: no assertion criteria provided. Collection method: clinical testing. Allele origin: germline. Not counted in ClinVar's aggregate classification.
Comment: Likely benign based on allele frequency in 1000 Genomes Project or ESP global frequency and its presence in a patient with a rare or unrelated disease phenotype. NOT Sanger confirmed.

Joint Genome Diagnostic Labs from Nijmegen and Maastricht, Radboudumc and MUMC+
Classification: Benign. Review status: no assertion criteria provided. Collection method: clinical testing. Allele origin: germline. Affected: yes. Study: VKGL Data-share Consensus. Not counted in ClinVar's aggregate classification.

NM_001267550.2(TTN):c.95553C>T (p.Ser31851=)

Genes: TTN-AS1 (TTN antisense RNA 1; plus strand), TTN (titin; minus strand). Cytogenetic location: 2q31.2.
Variant type: single nucleotide variant.
Coding change: c.95553C>T on transcript NM_001267550.2 (MANE Select); coding-DNA position 95553, C replaced by T.
Protein change: p.Ser31851=; no amino-acid change (serine 31851 retained).
Molecular consequence: synonymous variant.
Genome position (GRCh38, 1-based): chr2:178,545,557, G>A on the plus strand (C>T on the coding strand, the complement: TTN is on the minus strand). VCF-style: chr2-178545557-G-A. GRCh37 (hg19) VCF-style: chr2-179410284-G-A.
Other names: p.S30210S:AGC>AGT; p.Ser29283=; c.90630C>T, p.Ser30210= (NM_001256850.1); c.68358C>T, p.Ser22786= (NM_003319.4); c.87849C>T, p.Ser29283= (NM_133378.4); c.68733C>T, p.Ser22911= (NM_133432.3); c.68934C>T, p.Ser22978= (NM_133437.4).
Identifiers: ClinVar variation 47558 (VCV000047558.54), dbSNP rs72648260, ClinGen allele CA284125.
Genomic context (GRCh38, chr2:178,545,557, plus strand): 5'-GGTCACCTTCAGCCTGGTATCATACACCACATAGTCTTTGTTGACACGTGTCCAGCGCAG[G>A]CTCTTCTTCTCACGTTTGTCTACTAGGTAGTTGCTGATTTCATTGCCACCATCAGATTCA-3'
Protein context (NP_001254479.2, residues 31841-31861): NYLVDKREKK[Ser31851=]LRWTRVNKDY